The following is an entry in ClinVar:

ClinVar aggregate classification (germline): Benign/Likely benign. Review status: criteria provided, multiple submitters, no conflicts (2 of 4 stars). 3 submissions from 3 submitters: Benign (1); Likely benign (2). Last evaluated 2026-01-19.

Conditions:
Spastic ataxia 2. Also called: Ataxia, spastic, 2, autosomal recessive. Identifiers: Orphanet 397946, MedGen C1969796, MONDO:0012651, OMIM 611302.

Allele frequency attached by ClinVar (database versions not stated): 1000 Genomes Project 30x 0.00156; 1000 Genomes Project 0.00180; ESP Exome Variant Server 0.00308; TOPMed 0.00367; gnomAD 0.00411; gnomAD exomes 0.00427.
gnomAD v4.1: 8,219 of 1,569,380 alleles (0.52%); highest among the groups gnomAD compares: Non-Finnish European, 0.61%; 29 homozygotes.

Submissions (3):

Labcorp Genetics (formerly Invitae), Labcorp
Classification: Benign for Spastic ataxia 2. Last evaluated: 2026-01-19. Review status: criteria provided, single submitter. Criteria: Invitae Variant Classification Sherloc (09022015). Collection method: clinical testing. Allele origin: germline.

Blueprint Genetics
Classification: Likely benign. Last evaluated: 2024-11-08. Review status: criteria provided, single submitter. Criteria: ACMG Guidelines, 2015. Collection method: clinical testing. Allele origin: germline.

GeneDx
Classification: Likely benign. Last evaluated: 2017-07-17. Review status: criteria provided, single submitter. Criteria: GeneDx Variant Classification (06012015). Collection method: clinical testing. Allele origin: germline. Affected: yes.
Comment: This variant is considered likely benign or benign based on one or more of the following criteria: it is a conservative change, it occurs at a poorly conserved position in the protein, it is predicted to be benign by multiple in silico algorithms, and/or has population frequency not consistent with disease.

NM_006612.6(KIF1C):c.1666+12G>C

Gene: KIF1C (kinesin family member 1C; plus strand). Cytogenetic location: 17p13.2.
Variant type: single nucleotide variant.
Coding change: c.1666+12G>C on transcript NM_006612.6 (MANE Select); 12 bases into the intron after coding-DNA position 1666, G replaced by C.
Molecular consequence: intron variant.
Genome position (GRCh38, 1-based): chr17:5,014,849, G>C. VCF-style: chr17-5014849-G-C. GRCh37 (hg19) VCF-style: chr17-4918144-G-C.
Identifiers: ClinVar variation 385354 (VCV000385354.11), dbSNP rs190329136, ClinGen allele CA8319077.
Genomic context (GRCh38, chr17:5,014,849, plus strand): 5'-CGGGAGCAACACTGTCTGTTCCGGAGCATCCCCCAGCCAGATGGAGAAGGTAATGGCTGA[G>C]GGGGTGAGAGAGGCCAGACAGGGAGAGAGGCCCCATGTTCCACCCCACACACTGAACTCA-3'